The following is an entry in ClinVar:

NM_001042492.3(NF1):c.3402G>A (p.Met1134Ile)

Gene: NF1 (neurofibromin 1; plus strand). Cytogenetic location: 17q11.2.
Variant type: single nucleotide variant.
Coding change: c.3402G>A on transcript NM_001042492.3 (MANE Select); coding-DNA position 3402, G replaced by A.
Protein change: p.Met1134Ile; replaces methionine 1134 with isoleucine.
Molecular consequence: missense variant.
Genome position (GRCh38, 1-based): chr17:31,232,787, G>A. VCF-style: chr17-31232787-G-A. GRCh37 (hg19) VCF-style: chr17-29559805-G-A.
Other names: c.3402G>A, p.Met1134Ile (NM_000267.4); short protein forms M1134I.
Identifiers: ClinVar variation 142761 (VCV000142761.13), dbSNP rs587782701, ClinGen allele CA169345.

ClinVar aggregate classification (germline): Uncertain significance. Review status: criteria provided, multiple submitters, no conflicts (2 of 4 stars). 5 submissions from 4 submitters: Uncertain significance (5). Last evaluated 2022-05-04.

Conditions:
Hereditary cancer-predisposing syndrome. Also called: Tumor predisposition; Neoplastic Syndromes, Hereditary; Hereditary neoplastic syndrome; Hereditary Cancer Syndrome. Identifiers: Orphanet 140162, MedGen C0027672, MeSH D009386, MONDO:0015356.
Cardiovascular phenotype. Identifiers: MedGen CN230736.
Neurofibromatosis, type 1 (NF1). Also called: VON RECKLINGHAUSEN DISEASE; Neurofibromatosis, type I; NEUROFIBROMATOSIS, TYPE I, SOMATIC; Peripheral type neurofibromatosis. Identifiers: Orphanet 636, MedGen C0027831, MONDO:0018975, OMIM 162200. Disease mechanism: loss of function.

Submissions (5):

Institute for Genomic Medicine (IGM) Clinical Laboratory, Nationwide Children's Hospital
Classification: Uncertain significance for Neurofibromatosis, type 1. Last evaluated: 2022-05-04. Review status: criteria provided, single submitter. Criteria: ACMG Guidelines, 2015. Collection method: clinical testing. Allele origin: germline.
Comment: This variant is absent from or present at an exceedingly low frequency in gnomAD, a large-scale control population database (ACMG/AMP: PM2). This variant occurs in a gene with a low rate of benign missense variation, in which missense alterations are a common mechanism of disease (ACMG/AMP: PP2). This variant is predicted to be tolerated by multiple in silico tools (ACMG/AMP: BP4).

Genome-Nilou Lab
Classification: Uncertain significance for Neurofibromatosis, type 1. Last evaluated: 2022-03-15. Review status: criteria provided, single submitter. Criteria: ACMG Guidelines, 2015. Collection method: clinical testing. Allele origin: germline. Affected: no.

Ambry Genetics
Classification: Uncertain significance for Cardiovascular phenotype; Hereditary cancer-predisposing syndrome. Last evaluated: 2021-06-10. Review status: criteria provided, single submitter. Criteria: Ambry Variant Classification Scheme 2023. Collection method: clinical testing. Allele origin: germline.

Labcorp Genetics (formerly Invitae), Labcorp
Classification: Uncertain significance for Neurofibromatosis, type 1. Last evaluated: 2019-05-02. Review status: criteria provided, single submitter. Criteria: Invitae Variant Classification Sherloc (09022015). Collection method: clinical testing. Allele origin: germline.
Comment: This sequence change replaces methionine with isoleucine at codon 1134 of the NF1 protein (p.Met1134Ile). The methionine residue is moderately conserved and there is a small physicochemical difference between methionine and isoleucine. This variant is not present in population databases (ExAC no frequency). This variant has not been reported in the literature in individuals with NF1-related conditions. ClinVar contains an entry for this variant (Variation ID: 142761). Algorithms developed to predict the effect of missense changes on protein structure and function are either unavailable or do not agree on the potential impact of this missense change (SIFT: "Tolerated"; PolyPhen-2: "Possibly Damaging"; Align-GVGD: "Class C0"). In summary, the available evidence is currently insufficient to determine the role of this variant in disease. Therefore, it has been classified as a Variant of Uncertain Significance.

Ambry Genetics
Classification: Uncertain significance for Hereditary cancer-predisposing syndrome. Last evaluated: 2014-04-14. Review status: criteria provided, single submitter. Criteria: Ambry Autosomal Dominant and X-Linked criteria (10/2015). Collection method: clinical testing. Allele origin: germline. Observed: 1 variant allele.
Comment: The p.M1134I variant (also known as c.3402G>A), located in coding exon 26 of the NF1 gene, results from a G to A substitution at nucleotide position 3402. The methionine at codon 1134 is replaced by isoleucine, an amino acid with highly similar properties. This variant was not reported in population based cohorts in the following databases: Database of Single Nucleotide Polymorphisms (dbSNP), NHLBI Exome Sequencing Project (ESP), and 1000 Genomes Project. To date, this alteration has been detected with an allele frequency of approximately 0.02% (greater than 5000 alleles tested) in our clinical cohort (includes this individual). This amino acid position is completely conserved on sequence alignment. In addition, this alteration is predicted to be benign and tolerated by PolyPhen and SIFT in silico analyses, respectively. Since supporting evidence is limited at this time, the clinical significance of p.M1134I remains unclear.